The following is an entry in ClinVar:

ClinVar aggregate classification (germline): Benign/Likely benign. Review status: criteria provided, multiple submitters, no conflicts (2 of 4 stars). 8 submissions from 8 submitters: Benign (4); Likely benign (1). 3 of the submissions do not count toward it. Last evaluated 2026-02-02.

Allele frequency attached by ClinVar (database versions not stated): 1000 Genomes Project 30x 0.00593; 1000 Genomes Project 0.00599; TOPMed 0.01231; gnomAD exomes 0.01302; gnomAD 0.01304; ExAC 0.01332; ESP Exome Variant Server 0.01530.
gnomAD v4.1: 29,646 of 1,614,206 alleles (1.8%); highest among the groups gnomAD compares: Non-Finnish European, 2.2%; 300 homozygotes.

Submissions (8):

Labcorp Genetics (formerly Invitae), Labcorp
Classification: Benign. Last evaluated: 2026-02-02. Review status: criteria provided, single submitter. Criteria: Invitae Variant Classification Sherloc (09022015). Collection method: clinical testing. Allele origin: germline.

Blueprint Genetics
Classification: Likely benign. Last evaluated: 2024-11-26. Review status: criteria provided, single submitter. Criteria: ACMG Guidelines, 2015. Collection method: clinical testing. Allele origin: germline.

ARUP Laboratories, Molecular Genetics and Genomics, ARUP Laboratories
Classification: Benign. Last evaluated: 2023-11-01. Review status: criteria provided, single submitter. Criteria: ARUP Molecular Germline Variant Investigation Process 2024. Collection method: clinical testing. Allele origin: germline.

GeneDx
Classification: Benign. Last evaluated: 2016-01-22. Review status: criteria provided, single submitter. Criteria: GeneDx Variant Classification (06012015). Collection method: clinical testing. Allele origin: germline. Affected: yes.
Comment: This variant is considered likely benign or benign based on one or more of the following criteria: it is a conservative change, it occurs at a poorly conserved position in the protein, it is predicted to be benign by multiple in silico algorithms, and/or has population frequency not consistent with disease.

Breakthrough Genomics
Classification: Benign. Review status: criteria provided, single submitter. Criteria: ACMG Guidelines, 2015. Collection method: not provided. Allele origin: germline. Inheritance: Autosomal recessive inheritance. Affected: yes.

Clinical Genetics DNA and cytogenetics Diagnostics Lab, Erasmus MC, Erasmus Medical Center
Classification: Benign. Review status: no assertion criteria provided. Collection method: clinical testing. Allele origin: germline. Affected: yes. Study: VKGL Data-share Consensus. Not counted in ClinVar's aggregate classification.

Clinical Genetics, Academic Medical Center
Classification: Benign. Review status: no assertion criteria provided. Collection method: clinical testing. Allele origin: germline. Affected: yes. Study: VKGL Data-share Consensus. Not counted in ClinVar's aggregate classification.

Laboratory of Diagnostic Genome Analysis, Leiden University Medical Center (LUMC)
Classification: Likely benign. Review status: no assertion criteria provided. Collection method: clinical testing. Allele origin: germline. Affected: yes. Study: VKGL Data-share Consensus. Not counted in ClinVar's aggregate classification.

NM_001291303.3(FAT4):c.14135C>G (p.Ser4712Cys)

Gene: FAT4 (FAT atypical cadherin 4; plus strand). Cytogenetic location: 4q28.1.
Variant type: single nucleotide variant.
Coding change: c.14135C>G on transcript NM_001291303.3 (MANE Select); coding-DNA position 14135, C replaced by G.
Protein change: p.Ser4712Cys; replaces serine 4712 with cysteine.
Molecular consequence: missense variant.
Genome position (GRCh38, 1-based): chr4:125,490,951, C>G. VCF-style: chr4-125490951-C-G. GRCh37 (hg19) VCF-style: chr4-126412106-C-G.
Other names: c.14132C>G, p.Ser4711Cys (NM_001291285.3); c.14129C>G, p.Ser4710Cys (NM_024582.6); short protein forms S4710C, S4712C, S4711C.
Identifiers: ClinVar variation 382877 (VCV000382877.25), dbSNP rs147662558, ClinGen allele CA3074510.